The following is an entry in ClinVar:

ClinVar aggregate classification (germline): Uncertain significance (1 of 4 stars; one submission).

Conditions:
RFT1-congenital disorder of glycosylation (CDG1N). Also called: CDG In; Congenital disorder of glycosylation type In; RFT1-CDG. Identifiers: Orphanet 244310, MedGen C2677590, MONDO:0012783, OMIM 612015.

Allele frequency attached by ClinVar (database versions not stated): gnomAD exomes below 0.00001.
gnomAD v4.1: 5 of 1,606,246 alleles (0.00031%); highest among the groups gnomAD compares: Non-Finnish European, 0.00042%; no homozygotes.

Submission:

Labcorp Genetics (formerly Invitae), Labcorp
Classification: Uncertain significance for RFT1-congenital disorder of glycosylation. Last evaluated: 2022-04-01. Review status: criteria provided, single submitter. Criteria: Invitae Variant Classification Sherloc (09022015). Collection method: clinical testing. Allele origin: germline.
Comment: In summary, the available evidence is currently insufficient to determine the role of this variant in disease. Therefore, it has been classified as a Variant of Uncertain Significance. Algorithms developed to predict the effect of missense changes on protein structure and function are either unavailable or do not agree on the potential impact of this missense change (SIFT: "Tolerated"; PolyPhen-2: "Probably Damaging"; Align-GVGD: "Class C15"). This variant has not been reported in the literature in individuals affected with RFT1-related conditions. This variant is not present in population databases (gnomAD no frequency). This sequence change replaces phenylalanine, which is neutral and non-polar, with cysteine, which is neutral and slightly polar, at codon 475 of the RFT1 protein (p.Phe475Cys).

NM_052859.4(RFT1):c.1424T>G (p.Phe475Cys)

Gene: RFT1 (RFT1 glycolipid translocator homolog; minus strand). Cytogenetic location: 3p21.1.
Variant type: single nucleotide variant.
Coding change: c.1424T>G on transcript NM_052859.4 (MANE Select); coding-DNA position 1424, T replaced by G.
Protein change: p.Phe475Cys; replaces phenylalanine 475 with cysteine.
Molecular consequence: missense variant.
Genome position (GRCh38, 1-based): chr3:53,092,403, A>C on the plus strand (T>G on the coding strand, the complement: RFT1 is on the minus strand). VCF-style: chr3-53092403-A-C. GRCh37 (hg19) VCF-style: chr3-53126419-A-C.
Other names: short protein forms F475C.
Identifiers: ClinVar variation 2120314 (VCV002120314.4), dbSNP rs2470937467, ClinGen allele CA353226520.
Genomic context (GRCh38, chr3:53,092,403, plus strand): 5'-TGGCATGATGGCTCAGGGAGTCTCACCTCCGAAACAGCAGTAACCCCACCACTGAGGGCA[A>C]ATGTCCCGAGCAGGACTGGCGATAGGTGCAGGCCAGCCAGGGGCCTGTGGGGGCTCCTTC-3'
Protein context (NP_443091.1, residues 465-485): LHLSPVLLGT[Phe475Cys]ALSGGVTAVS